The following is an entry in ClinVar:

NM_002485.5(NBN):c.1124+91C>A

Gene: NBN (nibrin; minus strand). Cytogenetic location: 8q21.3.
Variant type: single nucleotide variant.
Coding change: c.1124+91C>A on transcript NM_002485.5 (MANE Select); 91 bases into the intron after coding-DNA position 1124, C replaced by A.
Molecular consequence: intron variant.
Genome position (GRCh38, 1-based): chr8:89,958,634, G>T on the plus strand (C>A on the coding strand, the complement: NBN is on the minus strand). VCF-style: chr8-89958634-G-T. GRCh37 (hg19) VCF-style: chr8-90970862-G-T.
Other names: c.878+91C>A (NM_001024688.3).
Identifiers: ClinVar variation 1177038 (VCV001177038.7), dbSNP rs1805818, ClinGen allele CA12731885.

ClinVar aggregate classification (germline): Benign. Review status: criteria provided, multiple submitters, no conflicts (2 of 4 stars). 4 submissions from 4 submitters: Benign (4). Last evaluated 2024-01-24.

Conditions:
Microcephaly, normal intelligence and immunodeficiency (NBS). Also called: Ataxia telangiectasia variant V1; IMMUNODEFICIENCY, MICROCEPHALY, AND CHROMOSOMAL INSTABILITY; Immunodeficiency, microcephaly with normal intelligence; BERLIN BREAKAGE SYNDROME; SEEMANOVA SYNDROME II; Nijmegen breakage syndrome. Identifiers: Orphanet 647, MedGen C0398791, MONDO:0009623, OMIM 251260.

Allele frequency attached by ClinVar (database versions not stated): TOPMed 0.32613; 1000 Genomes Project 30x 0.36790; 1000 Genomes Project 0.37500.
gnomAD v4.1: 471,631 of 1,425,474 alleles (33%); highest among the groups gnomAD compares: East Asian, 47%; 79,686 homozygotes.

Submissions (4):

Unidad de Genómica Garrahan, Hospital de Pediatría Garrahan
Classification: Benign. Last evaluated: 2024-01-24. Review status: criteria provided, single submitter. Criteria: ACMG Guidelines, 2015. Collection method: clinical testing. Allele origin: germline. Affected: no. Observed: 38 variant alleles.
Comment: This variant is classified as Benign based on local population frequency. This variant was detected in 40% of patients studied by a panel of primary immunodeficiencies. Number of patients: 38. Only high quality variants are reported.

Genome-Nilou Lab
Classification: Benign for Microcephaly, normal intelligence and immunodeficiency. Last evaluated: 2021-07-01. Review status: criteria provided, single submitter. Criteria: ACMG Guidelines, 2015. Collection method: clinical testing. Allele origin: germline. Affected: no.

GeneDx
Classification: Benign. Last evaluated: 2015-03-03. Review status: criteria provided, single submitter. Criteria: GeneDx Variant Classification Process June 2021. Collection method: clinical testing. Allele origin: germline. Affected: yes.

Breakthrough Genomics
Classification: Benign. Review status: criteria provided, single submitter. Criteria: ACMG Guidelines, 2015. Collection method: not provided. Allele origin: germline. Inheritance: Autosomal recessive inheritance. Affected: yes.